The following is an entry in ClinVar:

NM_000246.4(CIITA):c.1732G>A (p.Val578Met)

Gene: CIITA (class II major histocompatibility complex transactivator; plus strand). Cytogenetic location: 16p13.13.
Variant type: single nucleotide variant.
Coding change: c.1732G>A on transcript NM_000246.4 (MANE Select); coding-DNA position 1732, G replaced by A.
Protein change: p.Val578Met; replaces valine 578 with methionine.
Molecular consequence: missense variant. On other transcripts: intron variant (1).
Genome position (GRCh38, 1-based): chr16:10,907,224, G>A. VCF-style: chr16-10907224-G-A. GRCh37 (hg19) VCF-style: chr16-11001081-G-A.
Other names: c.1735G>A, p.Val579Met (NM_001286402.1, NM_001379332.1); c.1588G>A, p.Val530Met (NM_001379330.1); c.1585G>A, p.Val529Met (NM_001379331.1); c.1732G>A, p.Val578Met (NM_001379333.1); c.1663G>A, p.Val555Met (NM_001379334.1); c.860-1759G>A (NM_001286403.2); short protein forms V579M, V578M, V529M, V530M, V555M.
Identifiers: ClinVar variation 858851 (VCV000858851.9), dbSNP rs151195889, ClinGen allele CA7900208.
Genomic context (GRCh38, chr16:10,907,224, plus strand): 5'-AGCAAGGCCGACGCCCTATTTGAGCTGTCCGGCTTCTCCATGGAGCAGGCCCAGGCATAC[G>A]TGATGCGCTACTTTGAGAGCTCAGGGATGACAGAGCACCAAGACAGAGCCCTGACGCTCC-3'
Protein context (NP_000237.2, residues 568-588): GFSMEQAQAY[Val578Met]MRYFESSGMT

ClinVar aggregate classification (germline): Uncertain significance. Review status: criteria provided, multiple submitters, no conflicts (2 of 4 stars). 3 submissions from 3 submitters: Uncertain significance (2). 1 of the submissions does not count toward it. Last evaluated 2024-10-11.

Conditions:
MHC class II deficiency. Also called: Bare lymphocyte syndrome 2; BLS, TYPE II. Identifiers: Orphanet 572, MedGen C5447452, MONDO:0008855.
Inborn genetic diseases. Identifiers: MedGen C0950123, MeSH D030342.

Allele frequency attached by ClinVar (database versions not stated): gnomAD 0.00001; ESP Exome Variant Server 0.00008.
gnomAD v4.1: 12 of 1,613,334 alleles (0.00074%); highest among the groups gnomAD compares: Admixed American, 0.0067%; no homozygotes.

Submissions (3):

Ambry Genetics
Classification: Uncertain significance for Inborn genetic diseases. Last evaluated: 2024-10-11. Review status: criteria provided, single submitter. Criteria: Ambry Variant Classification Scheme 2023. Collection method: clinical testing. Allele origin: germline.

Labcorp Genetics (formerly Invitae), Labcorp
Classification: Uncertain significance for MHC class II deficiency. Last evaluated: 2022-08-23. Review status: criteria provided, single submitter. Criteria: Invitae Variant Classification Sherloc (09022015). Collection method: clinical testing. Allele origin: germline.
Comment: This sequence change replaces valine, which is neutral and non-polar, with methionine, which is neutral and non-polar, at codon 578 of the CIITA protein (p.Val578Met). This variant is not present in population databases (gnomAD no frequency). This variant has not been reported in the literature in individuals affected with CIITA-related conditions. ClinVar contains an entry for this variant (Variation ID: 858851). Algorithms developed to predict the effect of missense changes on protein structure and function output the following: SIFT: "Tolerated"; PolyPhen-2: "Benign"; Align-GVGD: "Class C0". The methionine amino acid residue is found in multiple mammalian species, which suggests that this missense change does not adversely affect protein function. In summary, the available evidence is currently insufficient to determine the role of this variant in disease. Therefore, it has been classified as a Variant of Uncertain Significance.

Natera, Inc.
Classification: Uncertain significance for Bare lymphocyte syndrome type II. Last evaluated: 2021-07-06. Review status: no assertion criteria provided. Collection method: clinical testing. Allele origin: germline. Not counted in ClinVar's aggregate classification.